The following is an entry in ClinVar:

ClinVar aggregate classification (germline): Pathogenic/Likely pathogenic. Review status: criteria provided, multiple submitters, no conflicts (2 of 4 stars). 5 submissions from 5 submitters: Pathogenic (1); Likely pathogenic (4). Last evaluated 2025-07-25.

Conditions:
Beta-D-mannosidosis (MANSB). Also called: Beta-Mannosidosis; MANNOSIDOSIS, BETA A, LYSOSOMAL; BETA-MANNOSIDASE DEFICIENCY; LYSOSOMAL BETA-MANNOSIDASE DEFICIENCY. Identifiers: Orphanet 118, MedGen C4048196, MONDO:0009562, OMIM 248510.

Allele frequency attached by ClinVar (database versions not stated): ExAC 0.00002; gnomAD 0.00002; gnomAD exomes 0.00003; TOPMed 0.00003; ESP Exome Variant Server 0.00008.
gnomAD v4.1: 41 of 1,613,918 alleles (0.0025%); highest among the groups gnomAD compares: Non-Finnish European, 0.0031%; no homozygotes.

Submissions (5):

Dasa
Classification: Likely pathogenic. Last evaluated: 2025-07-25. Review status: criteria provided, single submitter. Criteria: DASA Assertion Criteria. Collection method: clinical testing. Allele origin: germline.
Comment: NM_005908.4(MANBA):c.544C>T (p.Arg182Trp) is a missense variant that results in the substitution of arginine with tryptophan. Segregation data support an association with disease in the reported family/families (PMID: 16904924). This variant has been reported in individuals with MANBA-related disorders (PMID: 16904924). Functional evidence supports an impact on the gene or gene product. Also, this variant is rare in population databases. Based on the currently available evidence, this variant is classified as likely pathogenic.

GeneDx
Classification: Pathogenic. Last evaluated: 2024-06-28. Review status: criteria provided, single submitter. Criteria: GeneDx Variant Classification Process June 2021. Collection method: clinical testing. Allele origin: germline. Affected: yes.
Comment: Published functional studies found this variant is associated with significantly reduced enzyme activity (PMID: 30552791, 18565776); In silico analysis supports that this missense variant has a deleterious effect on protein structure/function; Not observed at significant frequency in large population cohorts (gnomAD); This variant is associated with the following publications: (PMID: 34426522, 19728872, 18565776, 22369051, 16904924, 30552791)

Labcorp Genetics (formerly Invitae), Labcorp
Classification: Likely pathogenic for Beta-D-mannosidosis. Last evaluated: 2024-03-06. Review status: criteria provided, single submitter. Criteria: Invitae Variant Classification Sherloc (09022015). Collection method: clinical testing. Allele origin: germline.
Comment: This sequence change replaces arginine, which is basic and polar, with tryptophan, which is neutral and slightly polar, at codon 182 of the MANBA protein (p.Arg182Trp). This variant is present in population databases (rs374377679, gnomAD 0.005%). This missense change has been observed in individual(s) with autosomal recessive beta-mannosidosis (PMID: 16904924). In at least one individual the data is consistent with being in trans (on the opposite chromosome) from a pathogenic variant. ClinVar contains an entry for this variant (Variation ID: 1324696). Advanced modeling of protein sequence and biophysical properties (such as structural, functional, and spatial information, amino acid conservation, physicochemical variation, residue mobility, and thermodynamic stability) performed at Invitae indicates that this missense variant is expected to disrupt MANBA protein function with a positive predictive value of 80%. Experimental studies have shown that this missense change affects MANBA function (PMID: 18565776, 30552791). In summary, the currently available evidence indicates that the variant is pathogenic, but additional data are needed to prove that conclusively. Therefore, this variant has been classified as Likely Pathogenic.

Women's Health and Genetics/Laboratory Corporation of America, LabCorp
Classification: Likely pathogenic for Beta-D-mannosidosis. Last evaluated: 2023-06-15. Review status: criteria provided, single submitter. Criteria: LabCorp Variant Classification Summary - May 2015. Collection method: clinical testing. Allele origin: germline.
Comment: Variant summary: MANBA c.544C>T (p.Arg182Trp) results in a non-conservative amino acid change in the encoded protein sequence. Four of five in-silico tools predict a damaging effect of the variant on protein function. The variant allele was found at a frequency of 2.8e-05 in 251376 control chromosomes (gnomAD). c.544C>T has been reported in the literature as a compound heterozygous genotype in at least one individual affected with Beta-Mannosidosis who has been subsequently cited by others (Gort_2006). These data do not allow any conclusion about variant significance. At least one publication reports experimental evidence evaluating an impact on protein function in vitro (e.g. Riise Stensland_2008). The most pronounced variant effect results in <10% of normal beta mannosidase enzyme activity in transfected COS-7 cells. The following publications have been ascertained in the context of this evaluation (PMID: 16904924, 22369051, 19728872, 18565776). Two clinical diagnostic laboratories have submitted clinical-significance assessments for this variant to ClinVar after 2014 and both classified the variant as likely pathogenic. Based on the evidence outlined above, the variant was classified as likely pathogenic.

Revvity Omics, Revvity
Classification: Likely pathogenic for Beta-D-mannosidosis. Last evaluated: 2019-07-22. Review status: criteria provided, single submitter. Criteria: ACMG Guidelines, 2015. Collection method: clinical testing. Allele origin: germline.

Literature cited by the submitters: PubMed 16904924 (cited by 3 submitters); PubMed 30552791 (cited by Dasa and Labcorp Genetics (formerly Invitae), Labcorp); PubMed 18565776 (cited by 3 submitters); PubMed 22369051 (cited by Women's Health and Genetics/Laboratory Corporation of America, LabCorp); PubMed 19728872 (cited by Women's Health and Genetics/Laboratory Corporation of America, LabCorp).

NM_005908.4(MANBA):c.544C>T (p.Arg182Trp)

Gene: MANBA (mannosidase beta; minus strand). Cytogenetic location: 4q24.
Variant type: single nucleotide variant.
Coding change: c.544C>T on transcript NM_005908.4 (MANE Select); coding-DNA position 544, C replaced by T.
Protein change: p.Arg182Trp; replaces arginine 182 with tryptophan.
Molecular consequence: missense variant.
Genome position (GRCh38, 1-based): chr4:102,722,876, G>A on the plus strand (C>T on the coding strand, the complement: MANBA is on the minus strand). VCF-style: chr4-102722876-G-A. GRCh37 (hg19) VCF-style: chr4-103644033-G-A.
Other names: short protein forms R182W.
Identifiers: ClinVar variation 1324696 (VCV001324696.13), dbSNP rs374377679, ClinGen allele CA3027196.